The following is an entry in ClinVar:

ClinVar aggregate classification (germline): Uncertain significance. Review status: criteria provided, multiple submitters, no conflicts (2 of 4 stars). 2 submissions from 2 submitters: Uncertain significance (2). Last evaluated 2023-11-06.

Conditions:
Adams-Oliver syndrome 5 (AOS5). Identifiers: Orphanet 974, MedGen C4014970, MONDO:0014459, OMIM 616028.

Allele frequency attached by ClinVar (database versions not stated): gnomAD exomes below 0.00001; TOPMed below 0.00001; gnomAD 0.00001; ExAC 0.00003.
gnomAD v4.1: 5 of 1,601,410 alleles (0.00031%); highest among the groups gnomAD compares: Non-Finnish European, 0.00034%; no homozygotes.

Submissions (2):

GeneDx
Classification: Uncertain significance. Last evaluated: 2023-11-06. Review status: criteria provided, single submitter. Criteria: GeneDx Variant Classification Process June 2021. Collection method: clinical testing. Allele origin: germline. Affected: yes.
Comment: Has not been previously published as pathogenic or benign to our knowledge; Not observed at significant frequency in large population cohorts (gnomAD); In silico analysis supports that this missense variant has a deleterious effect on protein structure/function

Labcorp Genetics (formerly Invitae), Labcorp
Classification: Uncertain significance for Adams-Oliver syndrome 5. Last evaluated: 2020-08-29. Review status: criteria provided, single submitter. Criteria: Invitae Variant Classification Sherloc (09022015). Collection method: clinical testing. Allele origin: germline.
Comment: In summary, the available evidence is currently insufficient to determine the role of this variant in disease. Therefore, it has been classified as a Variant of Uncertain Significance. Algorithms developed to predict the effect of sequence changes on RNA splicing suggest that this variant may create or strengthen a splice site, but this prediction has not been confirmed by published transcriptional studies. This variant has not been reported in the literature in individuals with NOTCH1-related conditions. The frequency data for this variant in the population databases is considered unreliable, as metrics indicate poor data quality at this position in the ExAC database. This sequence change affects codon 1293 of the NOTCH1 mRNA. It is a 'silent' change, meaning that it does not change the encoded amino acid sequence of the NOTCH1 protein.

NM_017617.5(NOTCH1):c.3879C>T (p.Cys1293=)

Gene: NOTCH1 (notch receptor 1; minus strand). Cytogenetic location: 9q34.3.
Variant type: single nucleotide variant.
Coding change: c.3879C>T on transcript NM_017617.5 (MANE Select); coding-DNA position 3879, C replaced by T.
Protein change: p.Cys1293=; no amino-acid change (cysteine 1293 retained).
Molecular consequence: synonymous variant.
Genome position (GRCh38, 1-based): chr9:136,506,738, G>A on the plus strand (C>T on the coding strand, the complement: NOTCH1 is on the minus strand). VCF-style: chr9-136506738-G-A. GRCh37 (hg19) VCF-style: chr9-139401190-G-A.
Other names: c.3879C>T (NM_017617.3).
Identifiers: ClinVar variation 1024141 (VCV001024141.9), dbSNP rs777242726, ClinGen allele CA5340780.